The following is an entry in ClinVar:

NM_000455.5(STK11):c.598-8C>T

Gene: STK11 (serine/threonine kinase 11; plus strand). Cytogenetic location: 19p13.3.
Variant type: single nucleotide variant.
Coding change: c.598-8C>T on transcript NM_000455.5 (MANE Select); 8 bases into the intron before coding-DNA position 598, C replaced by T.
Molecular consequence: intron variant.
Genome position (GRCh38, 1-based): chr19:1,220,573, C>T. VCF-style: chr19-1220573-C-T. GRCh37 (hg19) VCF-style: chr19-1220572-C-T.
Identifiers: ClinVar variation 135924 (VCV000135924.34), dbSNP rs373610101, ClinGen allele CA023119.
Genomic context (GRCh38, chr19:1,220,573, plus strand): 5'-CGTGCTAGGGGGGGCCCTGGGGCGCCCCCTCCCGGGCACTCCCTGAGGGCTGCACGGCAC[C>T]GCCACAGGCACTGCACCCGTTCGCGGCGGACGACACCTGCCGGACCAGCCAGGGCTCCCC-3'

ClinVar aggregate classification (germline): Benign/Likely benign. Review status: criteria provided, multiple submitters, no conflicts (2 of 4 stars). 19 submissions from 19 submitters: Benign (10); Likely benign (6). 3 of the submissions do not count toward it. Last evaluated 2026-02-01.

Conditions:
Carcinoma of pancreas. Also called: Pancreatic cancer, somatic; Pancreatic carcinoma, somatic; Exocrine pancreatic carcinoma; PANCREATIC ACINAR CARCINOMA; PANCREATIC CARCINOMA. Identifiers: Orphanet 1333, Orphanet 217074, MedGen C0235974, MONDO:0005192. Disease mechanism: loss of function.
Peutz-Jeghers syndrome (PJS). Also called: Peutz-Jeghers polyposis; Periorificial lentiginosis syndrome; POLYPOSIS, HAMARTOMATOUS INTESTINAL; POLYPS-AND-SPOTS SYNDROME. Identifiers: Orphanet 2869, MedGen C0031269, MeSH D010580, MONDO:0008280, OMIM 175200.
Melanoma, cutaneous malignant, susceptibility to, 1 (CMM1). Also called: B-K MOLE SYNDROME; DYSPLASTIC NEVUS SYNDROME, HEREDITARY; FAMILIAL ATYPICAL MOLE-MALIGNANT MELANOMA SYNDROME; MELANOMA, MALIGNANT. Identifiers: Orphanet 618, MedGen C1835047, MONDO:0007963, OMIM 155600.
Germ cell tumor of testis (TGCT). Also called: GERM CELL TUMOR, SOMATIC; Testicular germ cell tumor. Identifiers: Orphanet 363504, MedGen C1336708, MONDO:0010108, OMIM 273300.
Hereditary cancer-predisposing syndrome. Also called: Tumor predisposition; Hereditary neoplastic syndrome; Neoplastic Syndromes, Hereditary; Hereditary Cancer Syndrome. Identifiers: Orphanet 140162, MedGen C0027672, MeSH D009386, MONDO:0015356.
Malignant tumor of breast. Also called: Malignant breast neoplasm; Cancer breast. Identifiers: MedGen C0006142, MONDO:0007254. Disease mechanism: loss of function.

Allele frequency attached by ClinVar (database versions not stated): gnomAD exomes 0.00010 and 0.00036; ExAC 0.00080; ESP Exome Variant Server 0.00110; gnomAD 0.00114 and 0.00123; TOPMed 0.00120; 1000 Genomes Project 0.00180; 1000 Genomes Project 30x 0.00187.
gnomAD v4.1: 325 of 1,577,368 alleles (0.021%); highest among the groups gnomAD compares: African/African-American, 0.36%; no homozygotes.

Submissions (19):

Labcorp Genetics (formerly Invitae), Labcorp
Classification: Benign for Peutz-Jeghers syndrome. Last evaluated: 2026-02-01. Review status: criteria provided, single submitter. Criteria: Invitae Variant Classification Sherloc (09022015). Collection method: clinical testing. Allele origin: germline.

Myriad Genetics, Inc.
Classification: Benign for Peutz-Jeghers syndrome. Last evaluated: 2025-03-26. Review status: criteria provided, single submitter. Criteria: Myriad Autosomal Dominant, Autosomal Recessive and X-Linked Classification Criteria (2023). Collection method: clinical testing. Allele origin: unknown.
Comment: This variant is considered benign. This variant is intronic and is not expected to impact mRNA splicing. Homozygosity has been confirmed in one or more individuals. As homozygosity for pathogenic variants in this gene is generally assumed to result in embryonic lethality, this variant is unlikely to be pathogenic.

KCCC/NGS Laboratory, Kuwait Cancer Control Center
Classification: Benign for Peutz-Jeghers syndrome. Last evaluated: 2025-02-01. Review status: criteria provided, single submitter. Criteria: ACMG Guidelines, 2015. Collection method: clinical testing. Allele origin: germline. Affected: no.

Blueprint Genetics
Classification: Likely benign. Last evaluated: 2024-08-28. Review status: criteria provided, single submitter. Criteria: ACMG Guidelines, 2015. Collection method: clinical testing. Allele origin: germline.

All of Us Research Program, National Institutes of Health
Classification: Benign for Peutz-Jeghers syndrome. Last evaluated: 2024-02-05. Review status: criteria provided, single submitter. Criteria: ACMG Guidelines, 2015. Collection method: clinical testing. Allele origin: germline. Inheritance: Autosomal dominant inheritance. Observed: 73 variant alleles, 73 heterozygotes.
Comment: This study involves interpretation of variants in research participants for the purpose of population health screening. Participant phenotype was not available at the time of variant classification. Additional details can be found in publication PMID: 35346344, PMCID: PMC8962531

ARUP Laboratories, Molecular Genetics and Genomics, ARUP Laboratories
Classification: Benign. Last evaluated: 2023-12-01. Review status: criteria provided, single submitter. Criteria: ARUP Molecular Germline Variant Investigation Process 2024. Collection method: clinical testing. Allele origin: germline.

Quest Diagnostics Nichols Institute San Juan Capistrano
Classification: Benign. Last evaluated: 2022-07-21. Review status: criteria provided, single submitter. Criteria: Quest Diagnostics criteria. Collection method: clinical testing. Allele origin: unknown.

Fulgent Genetics
Classification: Likely benign for Melanoma, cutaneous malignant, susceptibility to, 1; Peutz-Jeghers syndrome; Familial pancreatic carcinoma; Germ cell tumor of testis. Last evaluated: 2022-05-25. Review status: criteria provided, single submitter. Criteria: ACMG Guidelines, 2015. Collection method: clinical testing. Allele origin: unknown.

Genome-Nilou Lab
Classification: Likely benign for Peutz-Jeghers syndrome. Last evaluated: 2021-07-15. Review status: criteria provided, single submitter. Criteria: ACMG Guidelines, 2015. Collection method: clinical testing. Allele origin: germline. Affected: no.

Sema4
Classification: Benign for Hereditary cancer-predisposing syndrome. Last evaluated: 2020-11-10. Review status: criteria provided, single submitter. Criteria: Sema4 Curation Guidelines. Collection method: curation. Allele origin: germline.

Institute for Biomarker Research, Medical Diagnostic Laboratories, L.L.C.
Classification: Likely benign for Hereditary cancer-predisposing syndrome. Last evaluated: 2017-02-14. Review status: criteria provided, single submitter. Criteria: ACMG Guidelines, 2015. Collection method: clinical testing. Allele origin: germline.

Women's Health and Genetics/Laboratory Corporation of America, LabCorp
Classification: Benign. Last evaluated: 2016-01-25. Review status: criteria provided, single submitter. Criteria: LabCorp Variant Classification Summary - May 2015. Collection method: clinical testing. Allele origin: germline.

Color Diagnostics, LLC DBA Color Health
Classification: Benign for Hereditary cancer-predisposing syndrome. Last evaluated: 2015-11-17. Review status: criteria provided, single submitter. Criteria: ACMG Guidelines, 2015. Collection method: clinical testing. Allele origin: germline.

Ambry Genetics
Classification: Likely benign for Hereditary cancer-predisposing syndrome. Last evaluated: 2015-01-22. Review status: criteria provided, single submitter. Criteria: Ambry Variant Classification Scheme 2023. Collection method: clinical testing. Allele origin: germline.

GeneDx
Classification: Benign. Last evaluated: 2014-08-15. Review status: criteria provided, single submitter. Criteria: GeneDx Variant Classification (06012015). Collection method: clinical testing. Allele origin: germline. Affected: yes.
Comment: This variant is considered likely benign or benign based on one or more of the following criteria: it is a conservative change, it occurs at a poorly conserved position in the protein, it is predicted to be benign by multiple in silico algorithms, and/or has population frequency not consistent with disease.

Breakthrough Genomics
Classification: Likely benign. Review status: criteria provided, single submitter. Criteria: ACMG Guidelines, 2015. Collection method: not provided. Allele origin: germline. Inheritance: Autosomal dominant inheritance. Affected: yes.

Clinical Genetics, Academic Medical Center
Classification: Likely benign. Review status: no assertion criteria provided. Collection method: clinical testing. Allele origin: germline. Affected: yes. Study: VKGL Data-share Consensus. Not counted in ClinVar's aggregate classification.

Department of Pathology and Laboratory Medicine, Sinai Health System
Classification: Likely benign for Malignant tumor of breast. Review status: no assertion criteria provided. Collection method: clinical testing. Allele origin: unknown. Affected: yes. Study: The Canadian Open Genetics Repository (COGR). Not counted in ClinVar's aggregate classification.
Comment: The STK11 c.598-8C>T variant was not identified in the literature nor was it identified in the Cosmic, MutDB, LOVD 3.0, Zhejiang Colon Cancer Database, or Insight Hereditary Tumors Database. The variant was identified in dbSNP (ID: rs373610101) as â€šÃ„ÃºWith Likely benign alleleâ€šÃ„Ã¹, ClinVar (as benign by Invitae, GeneDx, Color Genomics, and Laboratory Corporation of America, and as likely benign by Ambry Genetics, Institute for Biomarker Research, and Quest Diagnostics), and Clinvitae (as in ClinVar) databases. The variant was identified in control databases in 97 of 222910 chromosomes at a frequency of 0.000435 increasing the likelihood this could be a low frequency benign variant (Genome Aggregation Database Feb 27, 2017). Breakdown of the observations by population include African in 82 of 19170 chromosomes (freq: 0.004278), Latino in 5 of 29260 chromosomes (freq: 0.000171), European (Non-Finnish) in 10 of 97440 chromosomes (freq: 0.000103), while the variant was not observed in the Other, Ashkenazi Jewish, East Asian, European (Finnish), and South Asian populations. The c.598-8C>T variant is located in the 3' splice region but does not affect the invariant -1 and -2 positions. However, positions -3 and -5 to -12 are part of the splicing consensus sequence and variants involving these positions sometimes affect splicing. However, in silico or computational prediction software programs (SpliceSiteFinder, MaxEntScan, NNSPLICE, GeneSplicer, HumanSpliceFinder) do not predict a difference in splicing. In summary, based on the above information the clinical significance of this variant cannot be determined with certainty at this time although we would lean towards a more benign role for this variant. This variant is classified as likely benign.

Genome Diagnostics Laboratory, Amsterdam University Medical Center
Classification: Likely benign. Review status: no assertion criteria provided. Collection method: clinical testing. Allele origin: germline. Affected: yes. Study: VKGL Data-share Consensus. Not counted in ClinVar's aggregate classification.